The following is an entry in ClinVar:

NM_001042492.3(NF1):c.8091A>C (p.Gln2697His)

Gene: NF1 (neurofibromin 1; plus strand). Cytogenetic location: 17q11.2.
Variant type: single nucleotide variant.
Coding change: c.8091A>C on transcript NM_001042492.3 (MANE Select); coding-DNA position 8091, A replaced by C.
Protein change: p.Gln2697His; replaces glutamine 2697 with histidine.
Molecular consequence: missense variant.
Genome position (GRCh38, 1-based): chr17:31,358,600, A>C. VCF-style: chr17-31358600-A-C. GRCh37 (hg19) VCF-style: chr17-29685618-A-C.
Other names: c.8028A>C, p.Gln2676His (NM_000267.4); short protein forms Q2676H, Q2697H.
Identifiers: ClinVar variation 2842363 (VCV002842363.3), dbSNP rs760433938, ClinGen allele CA399203940.
Genomic context (GRCh38, chr17:31,358,600, plus strand): 5'-GTTAAATCCAATCCATGGAATTGTGCAGAGTGTGGTGTACCATGAAGAATCCCCACCACA[A>C]TACCAAACATCTTACCTGCAAAGTAAATAAATGTATCTGGAGAAGGATGGTTGATGAACT-3'
Protein context (NP_001035957.1, residues 2687-2707): SVVYHEESPP[Gln2697His]YQTSYLQSFG

ClinVar aggregate classification (germline): Uncertain significance (1 of 4 stars; one submission).

Conditions:
Neurofibromatosis, type 1 (NF1). Also called: Neurofibromatosis, type I; VON RECKLINGHAUSEN DISEASE; NEUROFIBROMATOSIS, TYPE I, SOMATIC; Peripheral type neurofibromatosis. Identifiers: Orphanet 636, MedGen C0027831, MONDO:0018975, OMIM 162200. Disease mechanism: loss of function.

Submission:

Labcorp Genetics (formerly Invitae), Labcorp
Classification: Uncertain significance for Neurofibromatosis, type 1. Last evaluated: 2024-02-19. Review status: criteria provided, single submitter. Criteria: Invitae Variant Classification Sherloc (09022015). Collection method: clinical testing. Allele origin: germline.
Comment: This sequence change replaces glutamine, which is neutral and polar, with histidine, which is basic and polar, at codon 2676 of the NF1 protein (p.Gln2676His). This variant is not present in population databases (gnomAD no frequency). This variant has not been reported in the literature in individuals affected with NF1-related conditions. Advanced modeling of protein sequence and biophysical properties (such as structural, functional, and spatial information, amino acid conservation, physicochemical variation, residue mobility, and thermodynamic stability) has been performed at Invitae for this missense variant, however the output from this modeling did not meet the statistical confidence thresholds required to predict the impact of this variant on NF1 protein function. In summary, the available evidence is currently insufficient to determine the role of this variant in disease. Therefore, it has been classified as a Variant of Uncertain Significance.